The following is an entry in ClinVar:

NM_006904.7(PRKDC):c.8057A>G (p.Glu2686Gly)

Gene: PRKDC (protein kinase, DNA-activated, catalytic subunit; minus strand). Cytogenetic location: 8q11.21.
Variant type: single nucleotide variant.
Coding change: c.8057A>G on transcript NM_006904.7 (MANE Select); coding-DNA position 8057, A replaced by G.
Protein change: p.Glu2686Gly; replaces glutamic acid 2686 with glycine.
Molecular consequence: missense variant.
Genome position (GRCh38, 1-based): chr8:47,834,291, T>C on the plus strand (A>G on the coding strand, the complement: PRKDC is on the minus strand). VCF-style: chr8-47834291-T-C. GRCh37 (hg19) VCF-style: chr8-48746852-T-C.
Other names: c.8057A>G, p.Glu2686Gly (NM_001081640.2); short protein forms E2686G.
Identifiers: ClinVar variation 3425223 (VCV003425223.1).

ClinVar aggregate classification (germline): Uncertain significance (1 of 4 stars; one submission).

Submission:

Ambry Genetics
Classification: Uncertain significance. Last evaluated: 2024-08-17. Review status: criteria provided, single submitter. Criteria: Ambry Variant Classification Scheme 2023. Collection method: clinical testing. Allele origin: germline.
Comment: The p.E2686G variant (also known as c.8057A>G), located in coding exon 59 of the PRKDC gene, results from an A to G substitution at nucleotide position 8057. The glutamic acid at codon 2686 is replaced by glycine, an amino acid with similar properties. This amino acid position is conserved. Based on the available evidence, the clinical significance of this variant remains unclear.